The following is an entry in ClinVar:

ClinVar aggregate classification (germline): Uncertain significance (1 of 4 stars; one submission).

Conditions:
Generalized epilepsy-paroxysmal dyskinesia syndrome (PNKD3). Also called: Generalized epilepsy and paroxysmal dyskinesia; Paroxysmal nonkinesigenic dyskinesia, 3, with or without generalized epilepsy. Identifiers: Orphanet 79137, MedGen C5574945, MONDO:0012276, OMIM 609446.

Submission:

Labcorp Genetics (formerly Invitae), Labcorp
Classification: Uncertain significance for Generalized epilepsy-paroxysmal dyskinesia syndrome. Last evaluated: 2025-12-16. Review status: criteria provided, single submitter. Criteria: Invitae Variant Classification Sherloc (09022015). Collection method: clinical testing. Allele origin: germline.
Comment: This sequence change replaces isoleucine, which is neutral and non-polar, with valine, which is neutral and non-polar, at codon 644 of the KCNMA1 protein (p.Ile644Val). This variant is not present in population databases (gnomAD no frequency). This variant has not been reported in the literature in individuals affected with KCNMA1-related conditions. An algorithm developed to predict the effect of missense changes on protein structure and function (PolyPhen-2) suggests that this variant is likely to be tolerated. In summary, the available evidence is currently insufficient to determine the role of this variant in disease. Therefore, it has been classified as a Variant of Uncertain Significance.

NM_001161352.2(KCNMA1):c.1930A>G (p.Ile644Val)

Gene: KCNMA1 (potassium calcium-activated channel subfamily M alpha 1; minus strand). Cytogenetic location: 10q22.3.
Variant type: single nucleotide variant.
Coding change: c.1930A>G on transcript NM_001161352.2 (MANE Select); coding-DNA position 1930, A replaced by G.
Protein change: p.Ile644Val; replaces isoleucine 644 with valine.
Molecular consequence: missense variant.
Genome position (GRCh38, 1-based): chr10:77,019,098, T>C on the plus strand (A>G on the coding strand, the complement: KCNMA1 is on the minus strand). VCF-style: chr10-77019098-T-C. GRCh37 (hg19) VCF-style: chr10-78778856-T-C.
Other names: c.1942A>G, p.Ile648Val (NM_001014797.3, NM_001322830.2, NM_001322835.2 and 1 more transcripts); c.1930A>G, p.Ile644Val (NM_001161353.2, NM_001271519.2, NM_001322829.2 and 5 more transcripts); c.1780A>G, p.Ile594Val (NM_001271518.2); c.1390A>G, p.Ile464Val (NM_001322838.2); c.2062A>G, p.Ile688Val (NM_001437422.1); short protein forms I464V, I688V, I594V, I644V, I648V.
Identifiers: ClinVar variation 4733402 (VCV004733402.1).